The following is an entry in ClinVar:

NM_182914.3(SYNE2):c.11729A>G (p.Lys3910Arg)

Gene: SYNE2 (spectrin repeat containing nuclear envelope protein 2; plus strand). Cytogenetic location: 14q23.2.
Variant type: single nucleotide variant.
Coding change: c.11729A>G on transcript NM_182914.3 (MANE Select); coding-DNA position 11729, A replaced by G.
Protein change: p.Lys3910Arg; replaces lysine 3910 with arginine.
Molecular consequence: missense variant.
Genome position (GRCh38, 1-based): chr14:64,089,632, A>G. VCF-style: chr14-64089632-A-G. GRCh37 (hg19) VCF-style: chr14-64556350-A-G.
Other names: c.11729A>G, p.Lys3910Arg (NM_015180.6); short protein forms K3910R.
Identifiers: ClinVar variation 289927 (VCV000289927.11), dbSNP rs142616444, ClinGen allele CA7221894.

ClinVar aggregate classification (germline): Uncertain significance. Review status: criteria provided, multiple submitters, no conflicts (2 of 4 stars). 2 submissions from 2 submitters: Uncertain significance (2). Last evaluated 2024-12-03.

Conditions:
Emery-Dreifuss muscular dystrophy 5, autosomal dominant (EDMD5). Also called: EMERY-DREIFUSS MUSCULAR DYSTROPHY 5. Identifiers: Orphanet 261, MedGen C2751805, MONDO:0013072, OMIM 612999.

Allele frequency attached by ClinVar (database versions not stated): 1000 Genomes Project 30x 0.00016; TOPMed 0.00018; ESP Exome Variant Server 0.00031.
gnomAD v4.1: 58 of 1,606,100 alleles (0.0036%); highest among the groups gnomAD compares: African/African-American, 0.059%; no homozygotes.

Submissions (2):

Labcorp Genetics (formerly Invitae), Labcorp
Classification: Uncertain significance for Emery-Dreifuss muscular dystrophy 5, autosomal dominant. Last evaluated: 2024-12-03. Review status: criteria provided, single submitter. Criteria: Invitae Variant Classification Sherloc (09022015). Collection method: clinical testing. Allele origin: germline.
Comment: This sequence change replaces lysine, which is basic and polar, with arginine, which is basic and polar, at codon 3910 of the SYNE2 protein (p.Lys3910Arg). This variant is present in population databases (rs142616444, gnomAD 0.07%), and has an allele count higher than expected for a pathogenic variant. This variant has not been reported in the literature in individuals affected with SYNE2-related conditions. ClinVar contains an entry for this variant (Variation ID: 289927). An algorithm developed to predict the effect of missense changes on protein structure and function outputs the following: PolyPhen-2: "Benign". The arginine amino acid residue is found in multiple mammalian species, which suggests that this missense change does not adversely affect protein function. In summary, the available evidence is currently insufficient to determine the role of this variant in disease. Therefore, it has been classified as a Variant of Uncertain Significance.

Eurofins Ntd Llc (ga)
Classification: Uncertain significance. Last evaluated: 2016-08-24. Review status: criteria provided, single submitter. Criteria: EGL Classification Definitions 2015. Collection method: clinical testing. Allele origin: germline. Observed: 1 variant allele, 1 heterozygote.